The following is an entry in ClinVar:

ClinVar aggregate classification (germline): Benign. Review status: criteria provided, single submitter (1 of 4 stars). 2 submissions from 2 submitters: Benign (1). 1 of the submissions does not count toward it. Last evaluated 2024-09-11.

Conditions:
BBS9-related disorder. Also called: BBS9-related condition.

Allele frequency attached by ClinVar (database versions not stated): TOPMed 0.00072; 1000 Genomes Project 30x 0.00047; 1000 Genomes Project 0.00040; gnomAD 0.00069.
gnomAD v4.1: 93 of 136,752 alleles (0.068%); highest among the groups gnomAD compares: African/African-American, 0.23%; no homozygotes.

Submissions (2):

Blueprint Genetics
Classification: Benign. Last evaluated: 2024-09-11. Review status: criteria provided, single submitter. Criteria: ACMG Guidelines, 2015. Collection method: clinical testing. Allele origin: germline.

PreventionGenetics, part of Exact Sciences
Classification: Likely benign for BBS9-related condition. Last evaluated: 2020-07-23. Review status: no assertion criteria provided. Collection method: clinical testing. Allele origin: germline. Not counted in ClinVar's aggregate classification.
Comment: This variant is classified as likely benign based on ACMG/AMP sequence variant interpretation guidelines (Richards et al. 2015 PMID: 25741868, with internal and published modifications).

NM_001348041.4(BBS9):c.2656G>A (p.Glu886Lys)

Gene: BBS9 (Bardet-Biedl syndrome 9; plus strand). Cytogenetic location: 7p14.3.
Variant type: single nucleotide variant.
Coding change: c.2656G>A on transcript NM_001348041.4; coding-DNA position 2656, G replaced by A.
Protein change: p.Glu886Lys; replaces glutamic acid 886 with lysine.
Molecular consequence: missense variant.
Genome position (GRCh38, 1-based): chr7:33,635,200, G>A. VCF-style: chr7-33635200-G-A. GRCh37 (hg19) VCF-style: chr7-33674812-G-A.
Other names: c.2545G>A, p.Glu849Lys (NM_001362679.1); short protein forms E849K, E886K.
Identifiers: ClinVar variation 3038013 (VCV003038013.3), dbSNP rs138941537, ClinGen allele CA156759688.
Genomic context (GRCh38, chr7:33,635,200, plus strand): 5'-CTCTGCCATTACTCCCTCCATCTCTCTCTGTTCACAGACCCCAGGACTGGACAGAGGATC[G>A]AGGCCTGGACCCTAAGAATACCCCACTCCCTGAGCCAGCATCTCCAGCTGATGGAGGGAC-3'